The following is an entry in ClinVar:

ClinVar aggregate classification (germline): Conflicting classifications of pathogenicity. Review status: criteria provided, conflicting classifications (1 of 4 stars). 7 submissions from 7 submitters: Uncertain significance (6); Likely benign (1). Last evaluated 2025-12-31.

Conditions:
Cardiovascular phenotype. Identifiers: MedGen CN230736.
Cardiomyopathy (CMYO). Also called: Cardiomyopathies. Identifiers: Orphanet 167848, MedGen C0878544, MONDO:0004994, HP:0001638. Inheritance: Various modes of inheritance.
Hypertrophic cardiomyopathy. Also called: HYPERTROPHIC MYOCARDIOPATHY. Identifiers: Orphanet 217569, MedGen C0007194, MeSH D002312, MONDO:0005045, HP:0001639.

Allele frequency attached by ClinVar (database versions not stated): gnomAD 0.00001; TOPMed 0.00001; gnomAD exomes below 0.00001.
gnomAD v4.1: 7 of 1,555,314 alleles (0.00045%); highest among the groups gnomAD compares: Non-Finnish European, 0.00061%; no homozygotes.

Submissions (7):

Labcorp Genetics (formerly Invitae), Labcorp
Classification: Uncertain significance for Hypertrophic cardiomyopathy. Last evaluated: 2025-12-31. Review status: criteria provided, single submitter. Criteria: Invitae Variant Classification Sherloc (09022015). Collection method: clinical testing. Allele origin: germline.
Comment: This sequence change replaces alanine, which is neutral and non-polar, with proline, which is neutral and non-polar, at codon 140 of the MYBPC3 protein (p.Ala140Pro). This variant is not present in population databases (gnomAD no frequency). This missense change has been observed in individual(s) with hypertrophic cardiomyopathy (PMID: 21750094). ClinVar contains an entry for this variant (Variation ID: 181034). An algorithm developed to predict the effect of missense changes on protein structure and function (PolyPhen-2) suggests that this variant is likely to be tolerated. In summary, the available evidence is currently insufficient to determine the role of this variant in disease. Therefore, it has been classified as a Variant of Uncertain Significance.

Color Diagnostics, LLC DBA Color Health
Classification: Uncertain significance for Cardiomyopathy. Last evaluated: 2025-08-20. Review status: criteria provided, single submitter. Criteria: ACMG Guidelines, 2015. Collection method: clinical testing. Allele origin: germline.
Comment: This missense variant replaces alanine with proline at codon 140 of the MYBPC3 protein. Computational prediction suggests that this variant may not impact protein structure and function. To our knowledge, functional studies have not been reported for this variant. This variant has been identified in an individual affected with hypertrophic cardiomyopathy (PMID: 21750094). This variant has not been identified in the general population by the Genome Aggregation Database (gnomAD). The available evidence is insufficient to determine the role of this variant in disease conclusively. Therefore, this variant is classified as a Variant of Uncertain Significance.

Ambry Genetics
Classification: Uncertain significance for Cardiovascular phenotype. Last evaluated: 2025-08-19. Review status: criteria provided, single submitter. Criteria: Ambry Variant Classification Scheme 2023. Collection method: clinical testing. Allele origin: germline.
Comment: The p.A140P variant (also known as c.418G>C), located in coding exon 4 of the MYBPC3 gene, results from a G to C substitution at nucleotide position 418. The alanine at codon 140 is replaced by proline, an amino acid with highly similar properties. This variant was reported in individual(s) with features consistent with hypertrophic cardiomyopathy (Waldm&uuml;ller S et al. Eur. J. Heart Fail., 2011 Nov;13:1185-92). This amino acid position is well conserved in available vertebrate species. In addition, the in silico prediction for this alteration is inconclusive. Based on the available evidence, the clinical significance of this variant remains unclear.

Blueprint Genetics
Classification: Uncertain significance. Last evaluated: 2024-01-16. Review status: criteria provided, single submitter. Criteria: ACMG Guidelines, 2015. Collection method: clinical testing. Allele origin: germline.

All of Us Research Program, National Institutes of Health
Classification: Uncertain significance for Hypertrophic cardiomyopathy. Last evaluated: 2023-11-30. Review status: criteria provided, single submitter. Criteria: ACMG Guidelines, 2015. Collection method: clinical testing. Allele origin: germline. Inheritance: Autosomal dominant inheritance. Observed: 5 variant alleles, 5 heterozygotes.
Comment: This missense variant replaces alanine with proline at codon 140 of the MYBPC3 protein. Computational prediction suggests that this variant may not impact protein structure and function (internally defined REVEL score threshold <= 0.5, PMID: 27666373). To our knowledge, functional studies have not been reported for this variant. This variant has been identified in an individual affected with hypertrophic cardiomyopathy (PMID: 21750094). This variant has not been identified in the general population by the Genome Aggregation Database (gnomAD). The available evidence is insufficient to determine the role of this variant in disease conclusively. Therefore, this variant is classified as a Variant of Uncertain Significance.

This study involves interpretation of variants in research participants for the purpose of population health screening. Participant phenotype was not available at the time of variant classification. Additional details can be found in publication PMID: 35346344, PMCID: PMC8962531

Mayo Clinic Laboratories, Mayo Clinic
Classification: Uncertain significance. Last evaluated: 2020-10-07. Review status: criteria provided, single submitter. Criteria: ACMG Guidelines, 2015. Collection method: clinical testing. Allele origin: germline. Observed: 1 variant allele.

GeneDx
Classification: Likely benign. Last evaluated: 2016-01-06. Review status: criteria provided, single submitter. Criteria: GeneDx Variant Classification (06012015). Collection method: clinical testing. Allele origin: germline. Affected: yes.
Comment: This variant is considered likely benign or benign based on one or more of the following criteria: it is a conservative change, it occurs at a poorly conserved position in the protein, it is predicted to be benign by multiple in silico algorithms, and/or has population frequency not consistent with disease.

Literature cited by the submitters: PubMed 21750094 (cited by 4 submitters).

NM_000256.3(MYBPC3):c.418G>C (p.Ala140Pro)

Gene: MYBPC3 (myosin binding protein C3; minus strand). Cytogenetic location: 11p11.2.
Variant type: single nucleotide variant.
Coding change: c.418G>C on transcript NM_000256.3 (MANE Select); coding-DNA position 418, G replaced by C.
Protein change: p.Ala140Pro; replaces alanine 140 with proline.
Molecular consequence: missense variant.
Genome position (GRCh38, 1-based): chr11:47,350,101, C>G on the plus strand (G>C on the coding strand, the complement: MYBPC3 is on the minus strand). VCF-style: chr11-47350101-C-G. GRCh37 (hg19) VCF-style: chr11-47371652-C-G.
Other names: p.A140P:GCA>CCA; c.418G>C, p.Ala140Pro (LRG_386t1); short protein forms A140P.
Identifiers: ClinVar variation 181034 (VCV000181034.26), dbSNP rs730880614, ClinGen allele CA015054.